The following is an entry in ClinVar:

ClinVar aggregate classification (germline): Uncertain significance (1 of 4 stars; one submission).

Submission:

Women's Health and Genetics/Laboratory Corporation of America, LabCorp
Classification: Uncertain significance. Last evaluated: 2025-04-22. Review status: criteria provided, single submitter. Criteria: LabCorp Variant Classification Summary - May 2015. Collection method: clinical testing. Allele origin: germline.
Comment: Variant summary: EIF2B2 c.819A>C (p.Lys273Asn) results in a non-conservative amino acid change in the encoded protein sequence. Five of five in-silico tools predict a damaging effect of the variant on protein function. The variant was absent in 251376 control chromosomes. The available data on variant occurrences in the general population are insufficient to allow any conclusion about variant significance. To our knowledge, no occurrence of c.819A>C in individuals affected with Leukoencephalopathy With Vanishing White Matter and no experimental evidence demonstrating its impact on protein function have been reported. A different variant affecting the same codon has been classified as pathogenic by our lab (c.818A>G, &same_codon_pdot&), supporting the critical relevance of codon 273 to EIF2B2 protein function. No submitters have cited clinical-significance assessments for this variant to ClinVar. Based on the evidence outlined above, the variant was classified as uncertain significance.

NM_014239.4(EIF2B2):c.819A>C (p.Lys273Asn)

Gene: EIF2B2 (eukaryotic translation initiation factor 2B subunit beta; plus strand). Cytogenetic location: 14q24.3.
Variant type: single nucleotide variant.
Coding change: c.819A>C on transcript NM_014239.4 (MANE Select); coding-DNA position 819, A replaced by C.
Protein change: p.Lys273Asn; replaces lysine 273 with asparagine.
Molecular consequence: missense variant.
Genome position (GRCh38, 1-based): chr14:75,006,702, A>C. VCF-style: chr14-75006702-A-C. GRCh37 (hg19) VCF-style: chr14-75473405-A-C.
Other names: short protein forms K273N.
Identifiers: ClinVar variation 3896125 (VCV003896125.2).
Genomic context (GRCh38, chr14:75,006,702, plus strand): 5'-TCTGGCACTGGCAGCAAAACACCATTCCACCCCACTCATCGTCTGTGCACCTATGTTCAA[A>C]CTTTCTCCACAGGTAAGTGTGTCTGTCTCTAGCTAGAAGCCAGCAGAAAAGAAGGAAGCC-3'
Protein context (NP_055054.1, residues 263-283): TPLIVCAPMF[Lys273Asn]LSPQFPNEED